The following is an entry in ClinVar:

ClinVar aggregate classification (germline): Uncertain significance. Review status: criteria provided, multiple submitters, no conflicts (2 of 4 stars). 7 submissions from 7 submitters: Uncertain significance (7). Last evaluated 2025-02-13.

Conditions:
Familial thoracic aortic aneurysm and aortic dissection (TAAD). Also called: Thoracic aortic aneurysms and dissections. Identifiers: Orphanet 91387, MedGen C4707243, MONDO:0019625.
Marfan syndrome (MFS). Also called: Marfan syndrome, classic; Marfan syndrome type 1; Marfan's syndrome; FBN1-Related Marfan Syndrome; MARFAN SYNDROME, TYPE I. Identifiers: Orphanet 284963, Orphanet 558, MedGen C0024796, MONDO:0007947, OMIM 154700.

Allele frequency attached by ClinVar (database versions not stated): gnomAD exomes below 0.00001.
gnomAD v4.1: 2 of 1,614,166 alleles (0.00012%); highest among the groups gnomAD compares: Non-Finnish European, 0.00017%; no homozygotes.

Submissions (7):

Labcorp Genetics (formerly Invitae), Labcorp
Classification: Uncertain significance for Marfan syndrome; Familial thoracic aortic aneurysm and aortic dissection. Last evaluated: 2025-02-13. Review status: criteria provided, single submitter. Criteria: Invitae Variant Classification Sherloc (09022015). Collection method: clinical testing. Allele origin: germline.
Comment: This sequence change replaces valine, which is neutral and non-polar, with isoleucine, which is neutral and non-polar, at codon 1524 of the FBN1 protein (p.Val1524Ile). This variant is not present in population databases (gnomAD no frequency). This variant has not been reported in the literature in individuals affected with FBN1-related conditions. ClinVar contains an entry for this variant (Variation ID: 924550). Invitae Evidence Modeling of protein sequence and biophysical properties (such as structural, functional, and spatial information, amino acid conservation, physicochemical variation, residue mobility, and thermodynamic stability) has been performed for this missense variant. However, the output from this modeling did not meet the statistical confidence thresholds required to predict the impact of this variant on FBN1 protein function. In summary, the available evidence is currently insufficient to determine the role of this variant in disease. Therefore, it has been classified as a Variant of Uncertain Significance.

Ambry Genetics
Classification: Uncertain significance for Familial thoracic aortic aneurysm and aortic dissection. Last evaluated: 2024-05-22. Review status: criteria provided, single submitter. Criteria: Ambry Variant Classification Scheme 2023. Collection method: clinical testing. Allele origin: germline.
Comment: The p.V1524I variant (also known as c.4570G>A), located in coding exon 36 of the FBN1 gene, results from a G to A substitution at nucleotide position 4570. The valine at codon 1524 is replaced by isoleucine, an amino acid with highly similar properties. This amino acid position is well conserved in available vertebrate species. In addition, the in silico prediction for this alteration is inconclusive. Based on the available evidence, the clinical significance of this variant remains unclear.

All of Us Research Program, National Institutes of Health
Classification: Uncertain significance for Marfan syndrome. Last evaluated: 2024-03-24. Review status: criteria provided, single submitter. Criteria: ACMG Guidelines, 2015. Collection method: clinical testing. Allele origin: germline. Inheritance: Autosomal dominant inheritance. Observed: 1 variant allele, 1 heterozygote.
Comment: This missense variant replaces valine with isoleucine at codon 1524 of the FBN1 protein. Computational prediction suggests that this variant may not impact protein structure and function (internally defined REVEL score threshold <= 0.5, PMID: 27666373). To our knowledge, functional studies have not been reported for this variant. This variant has not been reported in individuals affected with cardiovascular disorders in the literature. This variant has not been identified in the general population by the Genome Aggregation Database (gnomAD). The available evidence is insufficient to determine the role of this variant in disease conclusively. Therefore, this variant is classified as a Variant of Uncertain Significance.

This study involves interpretation of variants in research participants for the purpose of population health screening. Participant phenotype was not available at the time of variant classification. Additional details can be found in publication PMID: 35346344, PMCID: PMC8962531

Color Diagnostics, LLC DBA Color Health
Classification: Uncertain significance for Familial thoracic aortic aneurysm and aortic dissection. Last evaluated: 2024-03-06. Review status: criteria provided, single submitter. Criteria: ACMG Guidelines, 2015. Collection method: clinical testing. Allele origin: germline.
Comment: This missense variant replaces valine with isoleucine at codon 1524 of the FBN1 protein. Computational prediction suggests that this variant may not impact protein structure and function (internally defined REVEL score threshold <= 0.5, PMID: 27666373). To our knowledge, functional studies have not been reported for this variant. This variant has not been reported in individuals affected with FBN1-related disorders in the literature. This variant has not been identified in the general population by the Genome Aggregation Database (gnomAD). The available evidence is insufficient to determine the role of this variant in disease conclusively. Therefore, this variant is classified as a Variant of Uncertain Significance.

GeneDx
Classification: Uncertain significance. Last evaluated: 2024-01-08. Review status: criteria provided, single submitter. Criteria: GeneDx Variant Classification Process June 2021. Collection method: clinical testing. Allele origin: germline. Affected: yes.
Comment: Has not been previously published as pathogenic or benign to our knowledge; Not observed in large population cohorts (gnomAD); In silico analysis supports that this missense variant does not alter protein structure/function; Although located in a calcium-binding EGF-like domain of the FBN1 gene, it does not affect a cysteine residue within this domain; cysteine substitutions in the calcium-binding EGF-like domains represent the majority of pathogenic missense changes associated with FBN1-related disorders (PMID: 12938084); This variant is associated with the following publications: (PMID: 12938084)

Women's Health and Genetics/Laboratory Corporation of America, LabCorp
Classification: Uncertain significance. Last evaluated: 2023-07-05. Review status: criteria provided, single submitter. Criteria: LabCorp Variant Classification Summary - May 2015. Collection method: clinical testing. Allele origin: germline.
Comment: Variant summary: FBN1 c.4570G>A (p.Val1524Ile) results in a conservative amino acid change located in the EGF like domain (IPR000742) of the encoded protein sequence. Three of five in-silico tools predict a damaging effect of the variant on protein function. The variant was absent in 251112 control chromosomes (gnomAD). The available data on variant occurrences in the general population are insufficient to allow any conclusion about variant significance. To our knowledge, no occurrence of c.4570G>A in individuals affected with Marfan Syndrome and no experimental evidence demonstrating its impact on protein function have been reported. Three submitters have cited clinical-significance assessments for this variant to ClinVar after 2014. All submitters classified the variant as uncertain significance. Based on the evidence outlined above, the variant was classified as uncertain significance.

Revvity Omics, Revvity
Classification: Uncertain significance. Last evaluated: 2020-04-05. Review status: criteria provided, single submitter. Criteria: ACMG Guidelines, 2015. Collection method: clinical testing. Allele origin: germline.

NM_000138.5(FBN1):c.4570G>A (p.Val1524Ile)

Gene: FBN1 (fibrillin 1; minus strand). Cytogenetic location: 15q21.1.
Variant type: single nucleotide variant.
Coding change: c.4570G>A on transcript NM_000138.5 (MANE Select); coding-DNA position 4570, G replaced by A.
Protein change: p.Val1524Ile; replaces valine 1524 with isoleucine.
Molecular consequence: missense variant.
Genome position (GRCh38, 1-based): chr15:48,468,424, C>T on the plus strand (G>A on the coding strand, the complement: FBN1 is on the minus strand). VCF-style: chr15-48468424-C-T. GRCh37 (hg19) VCF-style: chr15-48760621-C-T.
Other names: short protein forms V1524I.
Identifiers: ClinVar variation 924550 (VCV000924550.16), dbSNP rs2043340600, ClinGen allele CA392353339.
Genomic context (GRCh38, chr15:48,468,424, plus strand): 5'-AATAATACACAGTATGCTTGCTTCTCTGAAAAGTTTTTAAGGTCTTACCAACACAGCCAA[C>T]TCGAGTTGGGTTCAGTTCAAAATCAGGTGGGCAGTCACAGATATAGCTGCCTGGAGTGTT-3'
Protein context (NP_000129.3, residues 1514-1534): PPDFELNPTR[Val1524Ile]GCVDTRSGNC